The following is an entry in ClinVar:

NM_000268.4(NF2):c.590G>T (p.Gly197Val)

Gene: NF2 (NF2, moesin-ezrin-radixin like (MERLIN) tumor suppressor; plus strand). Cytogenetic location: 22q12.2.
Variant type: single nucleotide variant.
Coding change: c.590G>T on transcript NM_000268.4 (MANE Select); coding-DNA position 590, G replaced by T.
Protein change: p.Gly197Val; replaces glycine 197 with valine.
Molecular consequence: missense variant. On other transcripts: non-coding transcript variant (1), intron variant (1).
Genome position (GRCh38, 1-based): chr22:29,655,667, G>T. VCF-style: chr22-29655667-G-T. GRCh37 (hg19) VCF-style: chr22-30051656-G-T.
Other names: c.476G>T, p.Gly159Val (NM_001407053.1, NM_001407056.1); c.467G>T, p.Gly156Val (NM_001407054.1, NM_001407058.1, NM_001407062.1 and 1 more transcripts); c.464G>T, p.Gly155Val (NM_001407055.1, NM_181828.3); c.590G>T, p.Gly197Val (NM_001407057.1, NM_001407059.1, NM_001407060.1 and 4 more transcripts); c.341G>T, p.Gly114Val (NM_001407063.1, NM_001407064.1, NM_181830.3 and 1 more transcripts); c.56G>T, p.Gly19Val (NM_001407065.1); c.359G>T, p.Gly120Val (NM_001407067.1); c.447+13382G>T (NM_181833.3); short protein forms G156V, G197V, G120V, G114V, G155V, G159V, G19V.
Identifiers: ClinVar variation 1750446 (VCV001750446.9), dbSNP rs2066281867, ClinGen allele CA411142707.

ClinVar aggregate classification (germline): Uncertain significance. Review status: criteria provided, multiple submitters, no conflicts (2 of 4 stars). 4 submissions from 4 submitters: Uncertain significance (4). Last evaluated 2025-03-02.

Conditions:
Neurofibromatosis, type 2 (SWNV). Also called: SCHWANNOMATOSIS, VESTIBULAR; NF2-Related Schwannomatosis; BILATERAL ACOUSTIC NEUROFIBROMATOSIS. Identifiers: Orphanet 637, MedGen C0027832, MONDO:0007039, OMIM 101000. Disease mechanism: loss of function.
Hereditary cancer-predisposing syndrome. Also called: Hereditary Cancer Syndrome; Hereditary neoplastic syndrome; Neoplastic Syndromes, Hereditary; Tumor predisposition. Identifiers: Orphanet 140162, MedGen C0027672, MeSH D009386, MONDO:0015356.

Allele frequency attached by ClinVar (database versions not stated): gnomAD exomes below 0.00001; gnomAD 0.00001.
gnomAD v4.1: 3 of 1,613,012 alleles (0.00019%); highest among the groups gnomAD compares: African/African-American, 0.0027%; no homozygotes.

Submissions (4):

Labcorp Genetics (formerly Invitae), Labcorp
Classification: Uncertain significance for Neurofibromatosis, type 2. Last evaluated: 2025-03-02. Review status: criteria provided, single submitter. Criteria: Invitae Variant Classification Sherloc (09022015). Collection method: clinical testing. Allele origin: germline.
Comment: This sequence change replaces glycine, which is neutral and non-polar, with valine, which is neutral and non-polar, at codon 197 of the NF2 protein (p.Gly197Val). This variant is not present in population databases (gnomAD no frequency). This variant has not been reported in the literature in individuals affected with NF2-related conditions. ClinVar contains an entry for this variant (Variation ID: 1750446). Invitae Evidence Modeling of protein sequence and biophysical properties (such as structural, functional, and spatial information, amino acid conservation, physicochemical variation, residue mobility, and thermodynamic stability) indicates that this missense variant is expected to disrupt NF2 protein function with a positive predictive value of 80%. In summary, the available evidence is currently insufficient to determine the role of this variant in disease. Therefore, it has been classified as a Variant of Uncertain Significance.

Ambry Genetics
Classification: Uncertain significance for Hereditary cancer-predisposing syndrome. Last evaluated: 2024-08-07. Review status: criteria provided, single submitter. Criteria: Ambry Variant Classification Scheme 2023. Collection method: clinical testing. Allele origin: germline.
Comment: The p.G197V variant (also known as c.590G>T), located in coding exon 6 of the NF2 gene, results from a G to T substitution at nucleotide position 590. The glycine at codon 197 is replaced by valine, an amino acid with dissimilar properties. This amino acid position is highly conserved in available vertebrate species. In addition, this alteration is predicted to be deleterious by in silico analysis. Since supporting evidence is limited at this time, the clinical significance of this alteration remains unclear.

All of Us Research Program, National Institutes of Health
Classification: Uncertain significance for Neurofibromatosis, type 2. Last evaluated: 2024-02-22. Review status: criteria provided, single submitter. Criteria: ACMG Guidelines, 2015. Collection method: clinical testing. Allele origin: germline. Inheritance: Autosomal dominant inheritance. Observed: 1 variant allele, 1 heterozygote.
Comment: This missense variant replaces glycine with valine at codon 197 of the NF2 protein. Computational prediction suggests that this variant may have deleterious impact on protein structure and function (internally defined REVEL score threshold >= 0.7, PMID: 27666373). To our knowledge, functional studies have not been reported for this variant. This variant has not been reported in individuals affected with NF2-related disorders in the literature. This variant has not been identified in the general population by the Genome Aggregation Database (gnomAD). The available evidence is insufficient to determine the role of this variant in disease conclusively. Therefore, this variant is classified as a Variant of Uncertain Significance.

This study involves interpretation of variants in research participants for the purpose of population health screening. Participant phenotype was not available at the time of variant classification. Additional details can be found in publication PMID: 35346344, PMCID: PMC8962531

GeneDx
Classification: Uncertain significance. Last evaluated: 2022-12-13. Review status: criteria provided, single submitter. Criteria: GeneDx Variant Classification Process June 2021. Collection method: clinical testing. Allele origin: germline. Affected: yes.
Comment: Not observed at significant frequency in large population cohorts (gnomAD); In silico analysis supports that this missense variant has a deleterious effect on protein structure/function; Has not been previously published as pathogenic or benign to our knowledge; This variant is associated with the following publications: (PMID: 11756419, 16324214)